The following is an entry in ClinVar:

NM_000322.5(PRPH2):c.422A>C (p.Tyr141Ser)

Gene: PRPH2 (peripherin 2; minus strand). Cytogenetic location: 6p21.1.
Variant type: single nucleotide variant.
Coding change: c.422A>C on transcript NM_000322.5 (MANE Select); coding-DNA position 422, A replaced by C.
Protein change: p.Tyr141Ser; replaces tyrosine 141 with serine.
Molecular consequence: missense variant.
Genome position (GRCh38, 1-based): chr6:42,721,913, T>G on the plus strand (A>C on the coding strand, the complement: PRPH2 is on the minus strand). VCF-style: chr6-42721913-T-G. GRCh37 (hg19) VCF-style: chr6-42689651-T-G.
Other names: short protein forms Y141S.
Identifiers: ClinVar variation 3767336 (VCV003767336.1).
Genomic context (GRCh38, chr6:42,721,913, plus strand): 5'-ATCTGCAGCATGTCGATGGTCTTCTTCATGAAACACCTGCCAGGGGTGTCTGTGTCCCGG[T>G]AGTACTTCATGCCGTTCTTGAGCCCTTGGCCCAGGGTGTTCTCCAGCGAGCCCCGAAGCA-3'
Protein context (NP_000313.2, residues 131-151): GQGLKNGMKY[Tyr141Ser]RDTDTPGRCF

ClinVar aggregate classification (germline): Likely pathogenic (1 of 4 stars; one submission).

Conditions:
Patterned macular dystrophy 1. Also called: MACULAR DYSTROPHY, BUTTERFLY-SHAPED PIGMENTARY; BUTTERFLY DYSTROPHY OF RETINAL PIGMENT EPITHELIUM. Identifiers: Orphanet 99001, MedGen C4551999, MONDO:0008210, OMIM 169150.

Submission:

SingHealth Duke-NUS Institute of Precision Medicine
Classification: Likely pathogenic for Patterned macular dystrophy 1. Last evaluated: 2025-02-05. Review status: criteria provided, single submitter. Criteria: PRISM ACMG Classification Criteria. Collection method: clinical testing. Allele origin: germline. Affected: yes.
Comment: Variant is not found in gnomAD exomes or genomes (PM2). REVEL score is 0.879 (PP3_mod). Other variants on this amino acid residue are classified as pathogenic (c.422A>G, c.421T>G, c.421T>C, PM5). Variant is located ina mutational hotspot where >50% of variants are pathogenic (PM1)